The following is an entry in ClinVar:

NM_000138.5(FBN1):c.538+12del

Gene: FBN1 (fibrillin 1; minus strand). Cytogenetic location: 15q21.1.
Variant type: Deletion.
Coding change: c.538+12del on transcript NM_000138.5 (MANE Select); 12 bases into the intron after coding-DNA position 538, one base deleted (T; older notation c.538+12delT).
Molecular consequence: intron variant.
Genome position (GRCh38, 1-based): chr15:48,596,271, A deleted on the plus strand (T on the coding strand, the reverse complement: FBN1 is on the minus strand); the first of 5 consecutive A bases (chr15:48,596,271-48,596,275); deleting any one gives the same sequence. VCF-style (leftmost placement, unchanged base first): chr15-48596270-TA-T. GRCh37 (hg19) VCF-style: chr15-48888467-TA-T.
Other names: c.538+12delT (NM_000138.5, NM_000138.4).
Identifiers: ClinVar variation 495619 (VCV000495619.41), dbSNP rs755209856, ClinGen allele CA054736.

ClinVar aggregate classification (germline): Benign/Likely benign. Review status: criteria provided, multiple submitters, no conflicts (2 of 4 stars). 4 submissions from 4 submitters: Benign (1); Likely benign (3). Last evaluated 2026-01-29.

Conditions:
Familial thoracic aortic aneurysm and aortic dissection (TAAD). Also called: Thoracic aortic aneurysms and dissections. Identifiers: Orphanet 91387, MedGen C4707243, MONDO:0019625.
Marfan syndrome (MFS). Also called: Marfan syndrome type 1; MARFAN SYNDROME, TYPE I; Marfan's syndrome; FBN1-Related Marfan Syndrome; Marfan syndrome, classic. Identifiers: Orphanet 284963, Orphanet 558, MedGen C0024796, MONDO:0007947, OMIM 154700.

Submissions (4):

Labcorp Genetics (formerly Invitae), Labcorp
Classification: Benign for Marfan syndrome; Familial thoracic aortic aneurysm and aortic dissection. Last evaluated: 2026-01-29. Review status: criteria provided, single submitter. Criteria: Invitae Variant Classification Sherloc (09022015). Collection method: clinical testing. Allele origin: germline.

Women's Health and Genetics/Laboratory Corporation of America, LabCorp
Classification: Likely benign. Last evaluated: 2024-12-19. Review status: criteria provided, single submitter. Criteria: LabCorp Variant Classification Summary - May 2015. Collection method: clinical testing. Allele origin: germline.
Comment: Variant summary: FBN1 c.538+12delT alters a non-conserved nucleotide located at a position not widely known to affect splicing. Consensus agreement among computation tools predict no significant impact on normal splicing. However, these predictions have yet to be confirmed by functional studies. The variant allele was found at a frequency of 2.8e-05 in 251252 control chromosomes. The available data on variant occurrences in the general population are insufficient to allow any conclusion about variant significance. To our knowledge, no occurrence of c.538+12delT in individuals affected with Marfan Syndrome and no experimental evidence demonstrating its impact on protein function have been reported. ClinVar contains an entry for this variant (Variation ID: 495619). Based on the evidence outlined above, the variant was classified as likely benign.

Blueprint Genetics
Classification: Likely benign. Last evaluated: 2022-12-19. Review status: criteria provided, single submitter. Criteria: ACMG Guidelines, 2015. Collection method: clinical testing. Allele origin: germline.

CeGaT Center for Human Genetics Tuebingen
Classification: Likely benign. Last evaluated: 2022-05-01. Review status: criteria provided, single submitter. Criteria: CeGaT Center For Human Genetics Tuebingen Variant Classification Criteria Version 2. Collection method: clinical testing. Allele origin: germline. Affected: yes. Observed: 1 variant allele.
Comment: FBN1: BP4